The following is an entry in ClinVar:

NM_017514.5(PLXNA3):c.1807C>G (p.Arg603Gly)

Gene: PLXNA3 (plexin A3; plus strand). Cytogenetic location: Xq28.
Variant type: single nucleotide variant.
Coding change: c.1807C>G on transcript NM_017514.5 (MANE Select); coding-DNA position 1807, C replaced by G.
Protein change: p.Arg603Gly; replaces arginine 603 with glycine.
Molecular consequence: missense variant.
Genome position (GRCh38, 1-based): chrX:154,464,292, C>G. VCF-style: chrX-154464292-C-G. GRCh37 (hg19) VCF-style: chrX-153692635-C-G.
Other names: short protein forms R603G.
Identifiers: ClinVar variation 3358450 (VCV003358450.1).

ClinVar aggregate classification (germline): Uncertain significance (0 of 4 stars; one submission).

Conditions:
PLXNA3-related disorder. Also called: PLXNA3-related condition.

gnomAD v4.1: 4 of 1,206,615 alleles (0.00033%); highest among the groups gnomAD compares: Non-Finnish European, 0.00034%; no homozygotes.

Submission:

PreventionGenetics, part of Exact Sciences
Classification: Uncertain significance for PLXNA3-related condition. Last evaluated: 2024-06-10. Review status: no assertion criteria provided. Collection method: clinical testing. Allele origin: germline.
Comment: The PLXNA3 c.1807C>G variant is predicted to result in the amino acid substitution p.Arg603Gly. To our knowledge, this variant has not been reported in the literature or in a large population database, indicating this variant is rare. At this time, the clinical significance of this variant is uncertain due to the absence of conclusive functional and genetic evidence.